The following is an entry in ClinVar:

ClinVar aggregate classification (germline): Uncertain significance (1 of 4 stars; one submission).

Conditions:
Amyotrophic lateral sclerosis type 4 (ALS4). Also called: AMYOTROPHIC LATERAL SCLEROSIS 4, JUVENILE; NEURONOPATHY, DISTAL HEREDITARY MOTOR, WITH PYRAMIDAL FEATURES. Identifiers: Orphanet 357043, MedGen C1865409, MONDO:0011223, OMIM 602433.
Spinocerebellar ataxia, autosomal recessive, with axonal neuropathy 2 (SCAN2). Also called: ATAXIA-OCULOMOTOR APRAXIA 2; Ataxia-ocular apraxia-2; Ataxia with Oculomotor Apraxia Type 2; Ataxia with Oculomotor Apraxia. Identifiers: Orphanet 64753, MedGen C1853761, MONDO:0018996, OMIM 606002.

Submission:

Labcorp Genetics (formerly Invitae), Labcorp
Classification: Uncertain significance for Amyotrophic lateral sclerosis type 4; Spinocerebellar ataxia, autosomal recessive, with axonal neuropathy 2. Last evaluated: 2021-01-21. Review status: criteria provided, single submitter. Criteria: Invitae Variant Classification Sherloc (09022015). Collection method: clinical testing. Allele origin: germline.
Comment: This variant is not present in population databases (ExAC no frequency). This sequence change replaces alanine with threonine at codon 2615 of the SETX protein (p.Ala2615Thr). The alanine residue is weakly conserved and there is a small physicochemical difference between alanine and threonine. This variant has been observed in individual(s) with clinical features of amyotrophic lateral sclerosis (Invitae). Advanced modeling of protein sequence and biophysical properties (such as structural, functional, and spatial information, amino acid conservation, physicochemical variation, residue mobility, and thermodynamic stability) performed at Invitae indicates that this missense variant is not expected to disrupt SETX protein function. In summary, the available evidence is currently insufficient to determine the role of this variant in disease. Therefore, it has been classified as a Variant of Uncertain Significance.

NM_015046.7(SETX):c.7843G>A (p.Ala2615Thr)

Gene: SETX (senataxin; minus strand). Cytogenetic location: 9q34.13.
Variant type: single nucleotide variant.
Coding change: c.7843G>A on transcript NM_015046.7 (MANE Select); coding-DNA position 7843, G replaced by A.
Protein change: p.Ala2615Thr; replaces alanine 2615 with threonine.
Molecular consequence: missense variant.
Genome position (GRCh38, 1-based): chr9:132,264,430, C>T on the plus strand (G>A on the coding strand, the complement: SETX is on the minus strand). VCF-style: chr9-132264430-C-T. GRCh37 (hg19) VCF-style: chr9-135139817-C-T.
Other names: c.7843G>A, p.Ala2615Thr (NM_001351527.2); c.7930G>A, p.Ala2644Thr (NM_001351528.2); short protein forms A2644T, A2615T.
Identifiers: ClinVar variation 1366589 (VCV001366589.8), dbSNP rs979454428, ClinGen allele CA200793255.